The following is an entry in ClinVar:

ClinVar aggregate classification (germline): Uncertain significance. Review status: criteria provided, multiple submitters, no conflicts (2 of 4 stars). 8 submissions from 8 submitters: Uncertain significance (8). Last evaluated 2026-03-02.

Conditions:
Cardiovascular phenotype. Identifiers: MedGen CN230736.
Arrhythmogenic right ventricular cardiomyopathy (ARVD). Also called: Arrhythmogenic Right Ventricular Cardiomyopathy (ARVC); Cardiomyopathy, ARVC; Arrhythmogenic cardiomyopathy; Arrhythmogenic right ventricular dysplasia. Identifiers: Orphanet 247, MedGen C0349788, MeSH D019571, MONDO:0016587. Disease mechanism: loss of function. Inheritance: Various modes of inheritance.
Cardiomyopathy (CMYO). Also called: Cardiomyopathies. Identifiers: Orphanet 167848, MedGen C0878544, MONDO:0004994, HP:0001638. Inheritance: Various modes of inheritance.
Arrhythmogenic right ventricular dysplasia 10. Also called: Arrhythmogenic right ventricular dysplasia/cardiomyopathy, type 10; Arrhythmogenic Right Ventricular Dysplasia/Cardiomyopathy10; ARRHYTHMOGENIC RIGHT VENTRICULAR DYSPLASIA, FAMILIAL, 10. Identifiers: MedGen C1857777, MONDO:0012434, OMIM 610193.

Allele frequency attached by ClinVar (database versions not stated): ExAC 0.00002; gnomAD 0.00004 and 0.00003; TOPMed 0.00005; gnomAD exomes 0.00002 and 0.00003.
gnomAD v4.1: 48 of 1,613,990 alleles (0.003%); highest among the groups gnomAD compares: Admixed American, 0.0083%; no homozygotes.

Submissions (8):

Ambry Genetics
Classification: Uncertain significance for Cardiovascular phenotype. Last evaluated: 2026-03-02. Review status: criteria provided, single submitter. Criteria: Ambry Variant Classification Scheme 2023. Collection method: clinical testing. Allele origin: germline.
Comment: The c.1885C>T (p.P629S) alteration is located in exon 13 (coding exon 13) of the DSG2 gene. This alteration results from a C to T substitution at nucleotide position 1885, causing the proline (P) at amino acid position 629 to be replaced by a serine (S). Based on data from gnomAD, the T allele has an overall frequency of 0.003% (7/280740) total alleles studied. The highest observed frequency was 0.006% (2/35374) of Latino alleles. Based on insufficient or conflicting evidence, the clinical significance of this alteration remains unclear.

Labcorp Genetics (formerly Invitae), Labcorp
Classification: Uncertain significance for Arrhythmogenic right ventricular dysplasia 10. Last evaluated: 2026-01-10. Review status: criteria provided, single submitter. Criteria: Invitae Variant Classification Sherloc (09022015). Collection method: clinical testing. Allele origin: germline.
Comment: This sequence change replaces proline, which is neutral and non-polar, with serine, which is neutral and polar, at codon 629 of the DSG2 protein (p.Pro629Ser). The frequency data for this variant in the population databases is considered unreliable, as metrics indicate poor data quality at this position in the gnomAD database. This missense change has been observed in individual(s) with dilated cardiomyopathy and/or DSG2-related conditions (PMID: 30847666, 31983221, 32826072, 33652588). ClinVar contains an entry for this variant (Variation ID: 199813). Invitae Evidence Modeling of protein sequence and biophysical properties (such as structural, functional, and spatial information, amino acid conservation, physicochemical variation, residue mobility, and thermodynamic stability) has been performed for this missense variant. However, the output from this modeling did not meet the statistical confidence thresholds required to predict the impact of this variant on DSG2 protein function. In summary, the available evidence is currently insufficient to determine the role of this variant in disease. Therefore, it has been classified as a Variant of Uncertain Significance.

All of Us Research Program, National Institutes of Health
Classification: Uncertain significance for Arrhythmogenic right ventricular cardiomyopathy. Last evaluated: 2024-07-20. Review status: criteria provided, single submitter. Criteria: ACMG Guidelines, 2015. Collection method: clinical testing. Allele origin: germline. Inheritance: Autosomal dominant inheritance. Observed: 20 variant alleles, 20 heterozygotes.
Comment: This missense variant replaces proline with serine at codon 629 of the DSG2 protein. Computational prediction suggests that this variant may not impact protein structure and function (internally defined REVEL score threshold <= 0.5, PMID: 27666373). To our knowledge, functional studies have not been reported for this variant. This variant has been reported in an individual suspected of having arrhythmogenic cardiomyopathy (PMID: 33652588) and in an individual affected with dilated cardiomyopathy, who also carried a truncation variant in the TTN gene (PMID: 32826072). This variant has not been identified in the general population by the Genome Aggregation Database (gnomAD). The available evidence is insufficient to determine the role of this variant in disease conclusively. Therefore, this variant is classified as a Variant of Uncertain Significance.

This study involves interpretation of variants in research participants for the purpose of population health screening. Participant phenotype was not available at the time of variant classification. Additional details can be found in publication PMID: 35346344, PMCID: PMC8962531

Color Diagnostics, LLC DBA Color Health
Classification: Uncertain significance for Cardiomyopathy. Last evaluated: 2024-04-16. Review status: criteria provided, single submitter. Criteria: ACMG Guidelines, 2015. Collection method: clinical testing. Allele origin: germline.
Comment: This missense variant replaces proline with serine at codon 629 of the DSG2 protein. Computational prediction suggests that this variant may not impact protein structure and function. To our knowledge, functional studies have not been reported for this variant. This variant has been reported in an individual suspected of having arrhythmogenic cardiomyopathy (PMID: 33652588) and in an individual affected with dilated cardiomyopathy, who also carried a truncation variant in the TTN gene (PMID: 32826072). This variant has not been identified in the general population by the Genome Aggregation Database (gnomAD). The available evidence is insufficient to determine the role of this variant in disease conclusively. Therefore, this variant is classified as a Variant of Uncertain Significance.

Victorian Clinical Genetics Services, Murdoch Childrens Research Institute
Classification: Uncertain significance for Arrhythmogenic right ventricular dysplasia 10. Last evaluated: 2022-02-02. Review status: criteria provided, single submitter. Criteria: ACMG Guidelines, 2015. Collection method: clinical testing. Allele origin: germline. Inheritance: Autosomal dominant inheritance. Affected: yes.
Comment: Based on the classification scheme VCGS_Germline_v1.3.4, this variant is classified as a VUS-3B. Following criteria are met: 0103 - Loss of function and gain of function are reported mechanisms of disease in this gene and are associated with arrhythmogenic right ventricular dysplasia 10 (ARVD 10; MIM#610193) and dilated cardiomyopathy 1BB (DCM; MIM#612877) (ClinVar, PMID: 23071725). (I) 0108 - This gene is associated with both recessive and dominant disease. It is commonly associated to dominant inheritance, however recessive inheritance has been reported in severe DCM patients (OMIM). (I) 0112 - The condition associated with this gene has incomplete penetrance. Patients with variants causing ARVC have been reported with a penetrance of 58-75% (OMIM). (I) 0200 - Variant is predicted to result in a missense amino acid change from proline to serine. (I) 0251 - This variant is heterozygous. (I) 0302 - Variant is present in gnomAD (v2) <0.001 for a dominant condition (7 heterozygotes, 0 homozygotes). (SP) 0502 - Missense variant with conflicting in silico predictions and uninformative conservation. (I) 0604 - Variant is not located in an established domain, motif, hotspot or informative constraint region. (I) 0710 - Two other missense variants comparable to the one identified in this case have inconclusive previous evidence for pathogenicity. Two alternative changes to a threonine and a glutamine have each been reported as VUS in individuals with dilated cardiomyopathy and hypertrophic cardiomyopathy, respectively (PMID: 30847666). (I) 0809 - Previous evidence of pathogenicity for this variant is inconclusive. This variant has previously been described as a VUS in multiple individuals with cardiomyopathy or arrhythmogenic right ventricular dysplasia (ClinVar, PMID: 33652588). It has also been reported in one alcoholic cardiomyopathy individual without classification (PMID: 29773157). (I) 0905 - No published segregation evidence has been identified for this variant. (I) 1007 - No published functional evidence has been identified for this variant. (I) 1208 - Inheritance information for this variant is not currently available in this individual. (I) Legend: (SP) - Supporting pathogenic, (I) - Information, (SB) - Supporting benign

GeneDx
Classification: Uncertain significance. Last evaluated: 2019-01-10. Review status: criteria provided, single submitter. Criteria: GeneDx Variant Classification (06012015). Collection method: clinical testing. Allele origin: germline. Affected: yes.
Comment: The P629S variant in the DSG2 gene has not been reported previously as a pathogenic variant, nor as a benign variant, to our knowledge. The P629S variant is observed in 2/33,576 (0.01%) alleles from individuals of Latino background in large population cohorts (Lek et al., 2016). The P629S variant is a non-conservative amino acid substitution, which is likely to impact secondary protein structure as these residues differ in polarity, charge, size and/or other properties. In-silico analyses, including protein predictors and evolutionary conservation, support a deleterious effect. We interpret P629S as a variant of uncertain significance.

Women's Health and Genetics/Laboratory Corporation of America, LabCorp
Classification: Uncertain significance. Last evaluated: 2018-11-05. Review status: criteria provided, single submitter. Criteria: LabCorp Variant Classification Summary - May 2015. Collection method: clinical testing. Allele origin: germline.
Comment: Variant summary: DSG2 c.1885C>T (p.Pro629Ser) results in a non-conservative amino acid change in the encoded protein sequence. Four of five in-silico tools predict a damaging effect of the variant on protein function. The variant allele was found at a frequency of 2.4e-05 in 246854 control chromosomes (gnomAD and publication). The available data on variant occurrences in the general population are insufficient to allow any conclusion about variant significance. The variant, c.1885C>T, has been reported in the literature in one individual affected with Alcoholic Cardiomyopathy (Ware_2018), together with the pathogenic TTN .43144_43147delCTGG (p.Leu14382ValfsTer2). These data do not allow any conclusion about variant significance. To our knowledge, no experimental evidence demonstrating an impact on protein function has been reported. One clinical diagnostic laboratory has submitted clinical-significance assessments for this variant to ClinVar after 2014 without evidence for independent evaluation and classified the variant as uncertain significance. Based on the evidence outlined above, the variant was classified as uncertain significance.

Stanford Center for Inherited Cardiovascular Disease, Stanford University
Classification: Uncertain significance. Last evaluated: 2014-03-20. Review status: criteria provided, single submitter. Criteria: ACMG Guidelines, 2015. Collection method: provider interpretation. Allele origin: germline.

Literature cited by the submitters: PubMed 30847666 (cited by Labcorp Genetics (formerly Invitae), Labcorp and Victorian Clinical Genetics Services, Murdoch Childrens Research Institute); PubMed 31983221 (cited by Labcorp Genetics (formerly Invitae), Labcorp); PubMed 32826072 (cited by 3 submitters); PubMed 33652588 (cited by 4 submitters); PubMed 23071725 (cited by Victorian Clinical Genetics Services, Murdoch Childrens Research Institute); PubMed 29773157 (cited by Victorian Clinical Genetics Services, Murdoch Childrens Research Institute and Women's Health and Genetics/Laboratory Corporation of America, LabCorp).

NM_001943.5(DSG2):c.1885C>T (p.Pro629Ser)

Gene: DSG2 (desmoglein 2; plus strand). Cytogenetic location: 18q12.1.
Variant type: single nucleotide variant.
Coding change: c.1885C>T on transcript NM_001943.5 (MANE Select); coding-DNA position 1885, C replaced by T.
Protein change: p.Pro629Ser; replaces proline 629 with serine.
Molecular consequence: missense variant.
Genome position (GRCh38, 1-based): chr18:31,541,198, C>T. VCF-style: chr18-31541198-C-T. GRCh37 (hg19) VCF-style: chr18-29121161-C-T.
Other names: p.P629S:CCA>TCA; c.1885C>T (LRG_397t1); short protein forms P629S.
Identifiers: ClinVar variation 199813 (VCV000199813.21), dbSNP rs200804638, ClinGen allele CA021609.